The following is an entry in ClinVar:

NM_002693.3(POLG):c.1716G>A (p.Trp572Ter)

Gene: POLG (DNA polymerase gamma, catalytic subunit; minus strand). Cytogenetic location: 15q26.1.
Variant type: single nucleotide variant.
Coding change: c.1716G>A on transcript NM_002693.3 (MANE Select); coding-DNA position 1716, G replaced by A.
Protein change: p.Trp572Ter; replaces tryptophan 572 with a stop codon.
Molecular consequence: nonsense.
Genome position (GRCh38, 1-based): chr15:89,325,683, C>T on the plus strand (G>A on the coding strand, the complement: POLG is on the minus strand). VCF-style: chr15-89325683-C-T. GRCh37 (hg19) VCF-style: chr15-89868914-C-T.
Other names: p.W572*:TGG>TGA; c.1716G>A, p.Trp572Ter (NM_001126131.2); short protein forms W572*.
Identifiers: ClinVar variation 206600 (VCV000206600.10), dbSNP rs767709505, ClinGen allele CA316842.

ClinVar aggregate classification (germline): Pathogenic/Likely pathogenic. Review status: criteria provided, multiple submitters, no conflicts (2 of 4 stars). 4 submissions from 4 submitters: Pathogenic (2); Likely pathogenic (1). 1 of the submissions does not count toward it. Last evaluated 2024-06-05.

Conditions:
POLG-related disorder. Also called: POLG-related condition; POLG-Related Disorders; POLG-Related Spectrum Disorders. Identifiers: MedGen C4763519.
Progressive external ophthalmoplegia with mitochondrial DNA deletions, autosomal dominant 1 (PEOA1). Also called: PROGRESSIVE EXTERNAL OPHTHALMOPLEGIA, AUTOSOMAL DOMINANT 1; Autosomal Dominant Progressive External Ophthalmoplegia (adPEO). Identifiers: MedGen C1834846, MONDO:0024528, OMIM 157640.
Progressive external ophthalmoplegia with mitochondrial DNA deletions, autosomal recessive 1 (PEOB1). Also called: Autosomal Recessive Progressive External Ophthalmoplegia (arPEO); Progressive external ophthalmoplegia, autosomal recessive 1. Identifiers: Orphanet 254886, MedGen C4225153, MONDO:0009783, OMIM 258450.
Progressive sclerosing poliodystrophy (MTDPS4A). Also called: ALPERS DIFFUSE DEGENERATION OF CEREBRAL GRAY MATTER WITH HEPATIC CIRRHOSIS; Alpers-Huttenlocher Syndrome; ALPERS PROGRESSIVE INFANTILE POLIODYSTROPHY; NEURONAL DEGENERATION OF CHILDHOOD WITH LIVER DISEASE, PROGRESSIVE; Mitochondrial DNA Depletion Syndrome 4A; Alpers-Huttenlocher Syndrome (AHS). Identifiers: Orphanet 726, MedGen C0205710, MONDO:0008758, OMIM 203700.
Sensory ataxic neuropathy, dysarthria, and ophthalmoparesis (SANDO). Also called: SENSORY ATAXIC NEUROPATHY WITH MITOCHONDRIAL DNA DELETIONS, AUTOSOMAL RECESSIVE; Epilepsy, progressive myoclonic, type 5; Sensory ataxic neuropathy-dysarthria-ophthalmoparesis syndrome; Ataxia Neuropathy Spectrum (ANS). Identifiers: Orphanet 70595, MedGen C1843851, MONDO:0011835, OMIM 607459.
Mitochondrial DNA depletion syndrome 4b. Also called: MNGIE, POLG-RELATED; Mitochondrial Neurogastrointestinal Encephalopathy Disease, POLG-Related. Identifiers: Orphanet 298, MedGen C3150914, MONDO:0013350, OMIM 613662.

Submissions (4):

Fulgent Genetics
Classification: Likely pathogenic for Progressive external ophthalmoplegia with mitochondrial DNA deletions, autosomal dominant 1; Progressive sclerosing poliodystrophy; Progressive external ophthalmoplegia with mitochondrial DNA deletions, autosomal recessive 1; Sensory ataxic neuropathy, dysarthria, and ophthalmoparesis; Mitochondrial DNA depletion syndrome 4b. Last evaluated: 2024-06-05. Review status: criteria provided, single submitter. Criteria: ACMG Guidelines, 2015. Collection method: clinical testing. Allele origin: germline.

Labcorp Genetics (formerly Invitae), Labcorp
Classification: Pathogenic for Progressive sclerosing poliodystrophy. Last evaluated: 2024-02-23. Review status: criteria provided, single submitter. Criteria: Invitae Variant Classification Sherloc (09022015). Collection method: clinical testing. Allele origin: germline.
Comment: This sequence change creates a premature translational stop signal (p.Trp572*) in the POLG gene. It is expected to result in an absent or disrupted protein product. Loss-of-function variants in POLG are known to be pathogenic (PMID: 18546365). This variant is not present in population databases (gnomAD no frequency). This variant has not been reported in the literature in individuals affected with POLG-related conditions. ClinVar contains an entry for this variant (Variation ID: 206600). For these reasons, this variant has been classified as Pathogenic.

GeneDx
Classification: Pathogenic. Last evaluated: 2014-04-16. Review status: criteria provided, single submitter. Criteria: GeneDx Variant Classification (06012015). Collection method: clinical testing. Allele origin: germline. Affected: yes.
Comment: c.1716 G>A p.Trp572Ter (W572X) NM_002693.2. The W572X nonsense mutation in the POLG gene is predicted to cause loss of normal protein function either through protein truncation or nonsense-mediated mRNA decay. Although this mutation has not been reported previously to our knowledge, it is considered a disease-causing mutation. The variant is found in EPILEPSY panel(s).

PreventionGenetics, part of Exact Sciences
Classification: Likely pathogenic for POLG-related condition. Last evaluated: 2024-02-27. Review status: no assertion criteria provided. Collection method: clinical testing. Allele origin: germline. Not counted in ClinVar's aggregate classification.
Comment: The POLG c.1716G>A variant is predicted to result in premature protein termination (p.Trp572*). This variant was reported, maternally-inherited, in an individual with a metabolic disorder that includes seizures who was part of study investigating carrier frequency of autosomal recessive disorders (Case 228, Quaio et al 2021. PubMed ID: 34269512). This variant has not been reported in a large population database, indicating this variant is rare. Nonsense variants in POLG are expected to be pathogenic. This variant is interpreted as likely pathogenic.

Literature cited by the submitters: PubMed 18546365 (cited by Labcorp Genetics (formerly Invitae), Labcorp).